The following is an entry in ClinVar:

ClinVar aggregate classification (germline): Uncertain significance (1 of 4 stars; one submission).

Conditions:
Idiopathic Pulmonary Fibrosis. Also called: Idiopathic fibrosing alveolitis, chronic form; idiopathic fibrosing alveolitis. Identifiers: Orphanet 2032, MedGen C1800706, MeSH D054990, MONDO:0800504.
Dyskeratosis congenita, autosomal dominant 2. Identifiers: MedGen C3151443, MONDO:0013521, OMIM 613989.

Submission:

Labcorp Genetics (formerly Invitae), Labcorp
Classification: Uncertain significance for Dyskeratosis congenita, autosomal dominant 2; Idiopathic Pulmonary Fibrosis. Last evaluated: 2023-02-05. Review status: criteria provided, single submitter. Criteria: Invitae Variant Classification Sherloc (09022015). Collection method: clinical testing. Allele origin: germline.
Comment: In summary, the available evidence is currently insufficient to determine the role of this variant in disease. Therefore, it has been classified as a Variant of Uncertain Significance. Advanced modeling of protein sequence and biophysical properties (such as structural, functional, and spatial information, amino acid conservation, physicochemical variation, residue mobility, and thermodynamic stability) performed at Invitae indicates that this missense variant is not expected to disrupt TERT protein function. This variant has not been reported in the literature in individuals affected with TERT-related conditions. This variant is not present in population databases (gnomAD no frequency). This sequence change replaces aspartic acid, which is acidic and polar, with glycine, which is neutral and non-polar, at codon 337 of the TERT protein (p.Asp337Gly).

NM_198253.3(TERT):c.1010A>G (p.Asp337Gly)

Gene: TERT (telomerase reverse transcriptase; minus strand). Cytogenetic location: 5p15.33.
Variant type: single nucleotide variant.
Coding change: c.1010A>G on transcript NM_198253.3 (MANE Select); coding-DNA position 1010, A replaced by G.
Protein change: p.Asp337Gly; replaces aspartic acid 337 with glycine.
Molecular consequence: missense variant. On other transcripts: non-coding transcript variant (2).
Genome position (GRCh38, 1-based): chr5:1,293,876, T>C on the plus strand (A>G on the coding strand, the complement: TERT is on the minus strand). VCF-style: chr5-1293876-T-C. GRCh37 (hg19) VCF-style: chr5-1293991-T-C.
Other names: c.1010A>G, p.Asp337Gly (NM_001193376.3, NM_003219.1); short protein forms D337G.
Identifiers: ClinVar variation 2943960 (VCV002943960.3), dbSNP rs2478416130, ClinGen allele CA359055962.